The following is an entry in ClinVar:

NM_020928.2(ZSWIM6):c.1622C>A (p.Thr541Asn)

Gene: ZSWIM6 (zinc finger SWIM-type containing 6; plus strand). Cytogenetic location: 5q12.1.
Variant type: single nucleotide variant.
Coding change: c.1622C>A on transcript NM_020928.2 (MANE Select); coding-DNA position 1622, C replaced by A.
Protein change: p.Thr541Asn; replaces threonine 541 with asparagine.
Molecular consequence: missense variant.
Genome position (GRCh38, 1-based): chr5:61,525,908, C>A. VCF-style: chr5-61525908-C-A. GRCh37 (hg19) VCF-style: chr5-60821735-C-A.
Other names: short protein forms T541N.
Identifiers: ClinVar variation 4809824 (VCV004809824.1).
Genomic context (GRCh38, chr5:61,525,908, plus strand): 5'-CATGCGATCTCCACTGGCAGGATAGCCACTTGCAGCACATTATCAGCAGTGACCTATACA[C>A]CAACTACTGTTACCATGACGACACTGAAAACTCCCTCTTCGACTCCCGCGGGTGGCCCCT-3'
Protein context (NP_065979.1, residues 531-551): LQHIISSDLY[Thr541Asn]NYCYHDDTEN

ClinVar aggregate classification (germline): Uncertain significance (1 of 4 stars; one submission).

Submission:

Labcorp Genetics (formerly Invitae), Labcorp
Classification: Uncertain significance. Last evaluated: 2025-10-10. Review status: criteria provided, single submitter. Criteria: Invitae Variant Classification Sherloc (09022015). Collection method: clinical testing. Allele origin: germline.
Comment: This sequence change replaces threonine, which is neutral and polar, with asparagine, which is neutral and polar, at codon 541 of the ZSWIM6 protein (p.Thr541Asn). This variant is not present in population databases (gnomAD no frequency). This variant has not been reported in the literature in individuals affected with ZSWIM6-related conditions. An algorithm developed to predict the effect of missense changes on protein structure and function (PolyPhen-2) suggests that this variant is likely to be tolerated. In summary, the available evidence is currently insufficient to determine the role of this variant in disease. Therefore, it has been classified as a Variant of Uncertain Significance.